The following is an entry in ClinVar:

NM_000254.3(MTR):c.609+1088G>A

Gene: MTR (5-methyltetrahydrofolate-homocysteine methyltransferase; plus strand). Cytogenetic location: 1q43.
Variant type: single nucleotide variant.
Coding change: c.609+1088G>A on transcript NM_000254.3 (MANE Select); 1088 bases into the intron after coding-DNA position 609, G replaced by A.
Molecular consequence: intron variant.
Genome position (GRCh38, 1-based): chr1:236,813,932, G>A. VCF-style: chr1-236813932-G-A. GRCh37 (hg19) VCF-style: chr1-236977232-G-A.
Other names: c.609+1088G>A (NM_001291939.1); c.-500+1088G>A (NM_001291940.2).
Identifiers: ClinVar variation 1048517 (VCV001048517.5), dbSNP rs752526782, ClinGen allele CA39738013.
Genomic context (GRCh38, chr1:236,813,932, plus strand): 5'-GTAGGAGAATTTTTCTTAAATGTTGTGTGGTTGAATTTACAGATTCTATTTTTTTGTTGT[G>A]GGAGGGGGAGACTACACTTACAGAGCCACTCCTCAGTTGAAGAGAAGAAAAAAATGGAAA-3'

ClinVar aggregate classification (germline): Pathogenic. Review status: criteria provided, multiple submitters, no conflicts (2 of 4 stars). 2 submissions from 2 submitters: Pathogenic (2). Last evaluated 2024-01-19.

Conditions:
Methylcobalamin deficiency type cblG (HMAG). Also called: HOMOCYSTINURIA-MEGALOBLASTIC ANEMIA, cblG COMPLEMENTATION TYPE; Functional methionine synthase deficiency type cblG; HOMOCYSTINURIA-MEGALOBLASTIC ANEMIA, cblG TYPE; HOMOCYSTINURIA-MEGALOBLASTIC ANEMIA DUE TO DEFECT IN COBALAMIN METABOLISM, cblG COMPLEMENTATION TYPE. Identifiers: Orphanet 2170, Orphanet 622, MedGen C1855128, MONDO:0009609, OMIM 250940.

Allele frequency attached by ClinVar (database versions not stated): TOPMed 0.00002.

Submissions (2):

Labcorp Genetics (formerly Invitae), Labcorp
Classification: Pathogenic for Methylcobalamin deficiency type cblG. Last evaluated: 2024-01-19. Review status: criteria provided, single submitter. Criteria: Invitae Variant Classification Sherloc (09022015). Collection method: clinical testing. Allele origin: germline.
Comment: This sequence change falls in intron 6 of the MTR gene. It does not directly change the encoded amino acid sequence of the MTR protein. This variant is not present in population databases (gnomAD no frequency). This variant has been observed in individual(s) with cobalamin G deficiency (PMID: 9683607; Invitae). In at least one individual the data is consistent with being in trans (on the opposite chromosome) from a pathogenic variant. ClinVar contains an entry for this variant (Variation ID: 1048517). Studies have shown that this variant is associated with altered splicing resulting in multiple RNA products (PMID: 9683607). For these reasons, this variant has been classified as Pathogenic.

Centre for Inherited Metabolic Diseases, Karolinska University Hospital
Classification: Pathogenic for Methylcobalamin deficiency type cblG. Last evaluated: 2021-03-24. Review status: criteria provided, single submitter. Criteria: ACMG Guidelines, 2015. Collection method: clinical testing. Allele origin: germline. Inheritance: Autosomal recessive inheritance. Affected: yes. Observed: 2 compound heterozygotes.

Literature cited by the submitters: PubMed 9683607 (cited by Labcorp Genetics (formerly Invitae), Labcorp).